The following is an entry in ClinVar:

NM_000751.3(CHRND):c.364T>C (p.Ser122Pro)

Gene: CHRND (cholinergic receptor nicotinic delta subunit; plus strand). Cytogenetic location: 2q37.1.
Variant type: single nucleotide variant.
Coding change: c.364T>C on transcript NM_000751.3 (MANE Select); coding-DNA position 364, T replaced by C.
Protein change: p.Ser122Pro; replaces serine 122 with proline.
Molecular consequence: missense variant. On other transcripts: synonymous variant (1).
Genome position (GRCh38, 1-based): chr2:232,528,511, T>C. VCF-style: chr2-232528511-T-C. GRCh37 (hg19) VCF-style: chr2-233393221-T-C.
Other names: c.319T>C, p.Ser107Pro (NM_001256657.2); c.93T>C, p.Ala31= (NM_001311195.2); c.61T>C, p.Ser21Pro (NM_001311196.2); short protein forms S107P, S21P, S122P.
Identifiers: ClinVar variation 2856445 (VCV002856445.3), dbSNP rs763895244, ClinGen allele CA2168015.
Genomic context (GRCh38, chr2:232,528,511, plus strand): 5'-CCAGTCGTGAGTGGCCAGAGCTCACTATGGTTCTTGTCCCTGTCCCCCAGCAATGACGGC[T>C]CCTTCCAGATCTCCTACTCCTGCAACGTGCTTGTCTACCACTACGGCTTCGTGTACTGGC-3'
Protein context (NP_000742.1, residues 112-132): EIVLENNNDG[Ser122Pro]FQISYSCNVL

ClinVar aggregate classification (germline): Uncertain significance (1 of 4 stars; one submission).

Conditions:
Lethal multiple pterygium syndrome (LMPS). Identifiers: Orphanet 33108, MedGen C1854678, MONDO:0009668, OMIM 253290.

Allele frequency attached by ClinVar (database versions not stated): ExAC 0.00001; gnomAD exomes 0.00001.

Submission:

Labcorp Genetics (formerly Invitae), Labcorp
Classification: Uncertain significance for Lethal multiple pterygium syndrome. Last evaluated: 2025-07-24. Review status: criteria provided, single submitter. Criteria: Invitae Variant Classification Sherloc (09022015). Collection method: clinical testing. Allele origin: germline.
Comment: This sequence change replaces serine, which is neutral and polar, with proline, which is neutral and non-polar, at codon 122 of the CHRND protein (p.Ser122Pro). This variant is present in population databases (rs763895244, gnomAD 0.0009%). This variant has not been reported in the literature in individuals affected with CHRND-related conditions. ClinVar contains an entry for this variant (Variation ID: 2856445). Invitae Evidence Modeling of protein sequence and biophysical properties (such as structural, functional, and spatial information, amino acid conservation, physicochemical variation, residue mobility, and thermodynamic stability) indicates that this missense variant is not expected to disrupt CHRND protein function with a negative predictive value of 95%. In summary, the available evidence is currently insufficient to determine the role of this variant in disease. Therefore, it has been classified as a Variant of Uncertain Significance.